The following is an entry in ClinVar:

NM_004006.3(DMD):c.221T>C (p.Leu74Pro)

Gene: DMD (dystrophin; minus strand). Cytogenetic location: Xp21.1.
Variant type: single nucleotide variant.
Coding change: c.221T>C on transcript NM_004006.3 (MANE Select); coding-DNA position 221, T replaced by C.
Protein change: p.Leu74Pro; replaces leucine 74 with proline.
Molecular consequence: missense variant. On other transcripts: 5 prime UTR variant (1).
Genome position (GRCh38, 1-based): chrX:32,844,826, A>G on the plus strand (T>C on the coding strand, the complement: DMD is on the minus strand). VCF-style: chrX-32844826-A-G. GRCh37 (hg19) VCF-style: chrX-32862943-A-G.
Other names: c.197T>C, p.Leu66Pro (NM_000109.4); c.209T>C, p.Leu70Pro (NM_004009.3); c.-149T>C (NM_004010.3); short protein forms L66P, L70P, L74P.
Identifiers: ClinVar variation 3065916 (VCV003065916.3), dbSNP rs2524853552, ClinGen allele CA412674722.

ClinVar aggregate classification (germline): Uncertain significance. Review status: criteria provided, multiple submitters, no conflicts (2 of 4 stars). 3 submissions from 3 submitters: Uncertain significance (3). Last evaluated 2026-01-17.

Conditions:
Duchenne muscular dystrophy (DMD). Also called: MUSCULAR DYSTROPHY, PSEUDOHYPERTROPHIC PROGRESSIVE, DUCHENNE TYPE; Duchenne Muscular Dystrophy (DMD). Identifiers: Orphanet 98896, MedGen C0013264, MONDO:0010679, OMIM 310200.
Cardiovascular phenotype. Identifiers: MedGen CN230736.

Submissions (3):

Ambry Genetics
Classification: Uncertain significance for Cardiovascular phenotype. Last evaluated: 2026-01-17. Review status: criteria provided, single submitter. Criteria: Ambry Variant Classification Scheme 2023. Collection method: clinical testing. Allele origin: germline.
Comment: The p.L74P variant (also known as c.221T>C), located in coding exon 4 of the DMD gene, results from a T to C substitution at nucleotide position 221. The leucine at codon 74 is replaced by proline, an amino acid with similar properties. This amino acid position is conserved. In addition, this alteration is predicted to be deleterious by in silico analysis. Based on the available evidence, the clinical significance of this variant remains unclear.

Labcorp Genetics (formerly Invitae), Labcorp
Classification: Uncertain significance for Duchenne muscular dystrophy. Last evaluated: 2025-05-27. Review status: criteria provided, single submitter. Criteria: Invitae Variant Classification Sherloc (09022015). Collection method: clinical testing. Allele origin: germline.
Comment: This sequence change replaces leucine, which is neutral and non-polar, with proline, which is neutral and non-polar, at codon 74 of the DMD protein (p.Leu74Pro). This variant is not present in population databases (gnomAD no frequency). This variant has not been reported in the literature in individuals affected with DMD-related conditions. ClinVar contains an entry for this variant (Variation ID: 3065916). Invitae Evidence Modeling of protein sequence and biophysical properties (such as structural, functional, and spatial information, amino acid conservation, physicochemical variation, residue mobility, and thermodynamic stability) has been performed for this missense variant. However, the output from this modeling did not meet the statistical confidence thresholds required to predict the impact of this variant on DMD protein function. In summary, the available evidence is currently insufficient to determine the role of this variant in disease. Therefore, it has been classified as a Variant of Uncertain Significance.

Genomic Medicine Center of Excellence, King Faisal Specialist Hospital and Research Centre
Classification: Uncertain significance for Duchenne muscular dystrophy. Last evaluated: 2024-03-29. Review status: criteria provided, single submitter. Criteria: ACMG Guidelines, 2015. Collection method: clinical testing. Allele origin: germline.